The following is an entry in ClinVar:

NM_014915.3(ANKRD26):c.811A>G (p.Lys271Glu)

Gene: ANKRD26 (ankyrin repeat domain 26; minus strand). Cytogenetic location: 10p12.1.
Variant type: single nucleotide variant.
Coding change: c.811A>G on transcript NM_014915.3 (MANE Select); coding-DNA position 811, A replaced by G.
Protein change: p.Lys271Glu; replaces lysine 271 with glutamic acid.
Molecular consequence: missense variant.
Genome position (GRCh38, 1-based): chr10:27,079,091, T>C on the plus strand (A>G on the coding strand, the complement: ANKRD26 is on the minus strand). VCF-style: chr10-27079091-T-C. GRCh37 (hg19) VCF-style: chr10-27368020-T-C.
Other names: c.811A>G, p.Lys271Glu (NM_001256053.2); short protein forms K271E.
Identifiers: ClinVar variation 2430821 (VCV002430821.5), dbSNP rs2539138499, ClinGen allele CA376363147.

ClinVar aggregate classification (germline): Uncertain significance. Review status: criteria provided, multiple submitters, no conflicts (2 of 4 stars). 3 submissions from 3 submitters: Uncertain significance (3). Last evaluated 2026-01-24.

Conditions:
Inborn genetic diseases. Identifiers: MedGen C0950123, MeSH D030342.

Allele frequency attached by ClinVar (database versions not stated): gnomAD exomes below 0.00001.
gnomAD v4.1: 1 of 1,611,160 alleles (0.000062%); highest among the groups gnomAD compares: Non-Finnish European, 0.000085%; no homozygotes.

Submissions (3):

Ambry Genetics
Classification: Uncertain significance for Inborn genetic diseases. Last evaluated: 2026-01-24. Review status: criteria provided, single submitter. Criteria: Ambry Variant Classification Scheme 2023. Collection method: clinical testing. Allele origin: germline.
Comment: The p.K271E variant (also known as c.811A>G), located in coding exon 7 of the ANKRD26 gene, results from an A to G substitution at nucleotide position 811. The lysine at codon 271 is replaced by glutamic acid, an amino acid with similar properties. This amino acid position is conserved. In addition, this alteration is predicted to be tolerated by in silico analysis. Based on the available evidence, the clinical significance of this variant remains unclear.

Labcorp Genetics (formerly Invitae), Labcorp
Classification: Uncertain significance. Last evaluated: 2023-03-19. Review status: criteria provided, single submitter. Criteria: Invitae Variant Classification Sherloc (09022015). Collection method: clinical testing. Allele origin: germline.
Comment: ClinVar contains an entry for this variant (Variation ID: 2430821). This variant has not been reported in the literature in individuals affected with ANKRD26-related conditions. This variant is not present in population databases (gnomAD no frequency). This sequence change replaces lysine, which is basic and polar, with glutamic acid, which is acidic and polar, at codon 271 of the ANKRD26 protein (p.Lys271Glu). An algorithm developed to predict the effect of missense changes on protein structure and function (PolyPhen-2) suggests that this variant is likely to be disruptive. In summary, the available evidence is currently insufficient to determine the role of this variant in disease. Therefore, it has been classified as a Variant of Uncertain Significance.

GeneDx
Classification: Uncertain significance. Last evaluated: 2022-08-23. Review status: criteria provided, single submitter. Criteria: GeneDx Variant Classification Process June 2021. Collection method: clinical testing. Allele origin: germline. Affected: yes.
Comment: Not observed at significant frequency in large population cohorts (gnomAD); In silico analysis supports that this missense variant does not alter protein structure/function; Has not been previously published as pathogenic or benign to our knowledge